The following is an entry in ClinVar:

ClinVar aggregate classification (germline): Uncertain significance. Review status: criteria provided, multiple submitters, no conflicts (2 of 4 stars). 2 submissions from 2 submitters: Uncertain significance (2). Last evaluated 2025-02-22.

Conditions:
T-cell immunodeficiency, congenital alopecia, and nail dystrophy. Also called: Congenital alopecia and nail dystrophy associated with severe functional T-cell immunodeficiency; Pignata Guarino syndrome. Identifiers: Orphanet 169095, MedGen C1866426, MONDO:0011132, OMIM 601705.
Inborn genetic diseases. Identifiers: MedGen C0950123, MeSH D030342.

Allele frequency attached by ClinVar (database versions not stated): gnomAD 0.00001 and 0.00002; gnomAD exomes 0.00001 and 0.00002; ExAC 0.00002; TOPMed 0.00005; ESP Exome Variant Server 0.00008.
gnomAD v4.1: 20 of 1,614,178 alleles (0.0012%); highest among the groups gnomAD compares: East Asian, 0.0045%; no homozygotes.

Submissions (2):

Ambry Genetics
Classification: Uncertain significance for Inborn genetic diseases. Last evaluated: 2025-02-22. Review status: criteria provided, single submitter. Criteria: Ambry Variant Classification Scheme 2023. Collection method: clinical testing. Allele origin: germline.

Labcorp Genetics (formerly Invitae), Labcorp
Classification: Uncertain significance for T-cell immunodeficiency, congenital alopecia, and nail dystrophy. Last evaluated: 2024-03-04. Review status: criteria provided, single submitter. Criteria: Invitae Variant Classification Sherloc (09022015). Collection method: clinical testing. Allele origin: germline.
Comment: This sequence change replaces alanine, which is neutral and non-polar, with threonine, which is neutral and polar, at codon 347 of the FOXN1 protein (p.Ala347Thr). This variant is present in population databases (rs376778792, gnomAD 0.005%). This variant has not been reported in the literature in individuals affected with FOXN1-related conditions. ClinVar contains an entry for this variant (Variation ID: 1406558). Advanced modeling of protein sequence and biophysical properties (such as structural, functional, and spatial information, amino acid conservation, physicochemical variation, residue mobility, and thermodynamic stability) performed at Invitae indicates that this missense variant is not expected to disrupt FOXN1 protein function with a negative predictive value of 80%. In summary, the available evidence is currently insufficient to determine the role of this variant in disease. Therefore, it has been classified as a Variant of Uncertain Significance.

NM_001369369.1(FOXN1):c.1039G>A (p.Ala347Thr)

Gene: FOXN1 (forkhead box N1; plus strand). Cytogenetic location: 17q11.2.
Variant type: single nucleotide variant.
Coding change: c.1039G>A on transcript NM_001369369.1 (MANE Select); coding-DNA position 1039, G replaced by A.
Protein change: p.Ala347Thr; replaces alanine 347 with threonine.
Molecular consequence: missense variant.
Genome position (GRCh38, 1-based): chr17:28,534,442, G>A. VCF-style: chr17-28534442-G-A. GRCh37 (hg19) VCF-style: chr17-26861460-G-A.
Other names: c.1039G>A, p.Ala347Thr (NM_003593.3); c.1039G>A (NM_003593.2); short protein forms A347T.
Identifiers: ClinVar variation 1406558 (VCV001406558.6), dbSNP rs376778792, ClinGen allele CA8459423.